The following is an entry in ClinVar:

NM_170784.3(MKKS):c.1356T>C (p.Ser452=)

Gene: MKKS (MKKS centrosomal shuttling protein; minus strand). Cytogenetic location: 20p12.2.
Variant type: single nucleotide variant.
Coding change: c.1356T>C on transcript NM_170784.3 (MANE Select); coding-DNA position 1356, T replaced by C.
Protein change: p.Ser452=; no amino-acid change (serine 452 retained).
Molecular consequence: synonymous variant. On other transcripts: non-coding transcript variant (1).
Genome position (GRCh38, 1-based): chr20:10,405,604, A>G on the plus strand (T>C on the coding strand, the complement: MKKS is on the minus strand). VCF-style: chr20-10405604-A-G. GRCh37 (hg19) VCF-style: chr20-10386252-A-G.
Other names: c.1356T>C, p.Ser452= (NM_018848.3).
Identifiers: ClinVar variation 1586960 (VCV001586960.12), dbSNP rs201977053, ClinGen allele CA9763488.

ClinVar aggregate classification (germline): Likely benign. Review status: criteria provided, multiple submitters, no conflicts (2 of 4 stars). 4 submissions from 4 submitters: Likely benign (3). 1 of the submissions does not count toward it. Last evaluated 2026-01-26.

Conditions:
Bardet-Biedl syndrome (BBS). Identifiers: Orphanet 110, MedGen C0752166, MONDO:0015229.
McKusick-Kaufman syndrome (MKKS). Also called: HYDROMETROCOLPOS SYNDROME; HYDROMETROCOLPOS, POSTAXIAL POLYDACTYLY, AND CONGENITAL HEART MALFORMATION. Identifiers: Orphanet 2473, MedGen C0948368, MONDO:0009367, OMIM 236700.
MKKS-related disorder. Also called: MKKS-related condition; MKKS-related disorders.
Bardet-Biedl syndrome 6 (BBS6). Identifiers: Orphanet 110, MedGen C1858054, MONDO:0011523, OMIM 605231.

Allele frequency attached by ClinVar (database versions not stated): gnomAD 0.00007 and 0.00008; gnomAD exomes 0.00007 and 0.00012; ExAC 0.00009; TOPMed 0.00011; ESP Exome Variant Server 0.00015.
gnomAD v4.1: 178 of 1,614,076 alleles (0.011%); highest among the groups gnomAD compares: Non-Finnish European, 0.014%; no homozygotes.

Submissions (4):

Labcorp Genetics (formerly Invitae), Labcorp
Classification: Likely benign for McKusick-Kaufman syndrome; Bardet-Biedl syndrome. Last evaluated: 2026-01-26. Review status: criteria provided, single submitter. Criteria: Invitae Variant Classification Sherloc (09022015). Collection method: clinical testing. Allele origin: germline.

Blueprint Genetics
Classification: Likely benign. Last evaluated: 2024-11-27. Review status: criteria provided, single submitter. Criteria: ACMG Guidelines, 2015. Collection method: clinical testing. Allele origin: germline.

Fulgent Genetics
Classification: Likely benign for McKusick-Kaufman syndrome; Bardet-Biedl syndrome 6. Last evaluated: 2022-04-14. Review status: criteria provided, single submitter. Criteria: ACMG Guidelines, 2015. Collection method: clinical testing. Allele origin: unknown.

PreventionGenetics, part of Exact Sciences
Classification: Likely benign for MKKS-related condition. Last evaluated: 2020-07-30. Review status: no assertion criteria provided. Collection method: clinical testing. Allele origin: germline. Not counted in ClinVar's aggregate classification.
Comment: This variant is classified as likely benign based on ACMG/AMP sequence variant interpretation guidelines (Richards et al. 2015 PMID: 25741868, with internal and published modifications).